The following is an entry in ClinVar:

NM_018418.5(SPATA7):c.699_700del (p.Phe233_Ser234insTer)

Gene: SPATA7 (spermatogenesis associated 7; plus strand). Cytogenetic location: 14q31.3.
Variant type: Deletion.
Coding change: c.699_700del on transcript NM_018418.5 (MANE Select); coding-DNA positions 699 to 700, 2 bases deleted (TT; older notation c.699_700delTT).
Protein change: p.Phe233_Ser234insTer.
Molecular consequence: frameshift variant.
Genome position (GRCh38, 1-based): chr14:88,426,558-88,426,559, TT deleted; deleting any 2 consecutive bases within chr14:88,426,556-88,426,559 gives the same sequence; the c. name uses the placement nearest the transcript's 3' end. VCF-style (leftmost placement, unchanged base first): chr14-88426555-CTT-C. GRCh37 (hg19) VCF-style: chr14-88892899-CTT-C.
Other names: NC_000014.8:g.88892902_88892903del; NP_060888.2:p.(Phe233_Ser234insTer); c.603_604del, p.Phe201_Ser202insTer (NM_001040428.4).
Identifiers: ClinVar variation 801398 (VCV000801398.8), dbSNP rs567890014, ClinGen allele CA7298577.

ClinVar aggregate classification (germline): Pathogenic. Review status: criteria provided, multiple submitters, no conflicts (2 of 4 stars). 4 submissions from 4 submitters: Pathogenic (4). Last evaluated 2025-10-09.

Conditions:
Leber congenital amaurosis (LCA). Also called: Leber's amaurosis. Identifiers: Orphanet 65, MedGen C0339527, MeSH D057130, MONDO:0018998.
Leber congenital amaurosis 3 (LCA3). Also called: SPATA7-Related Retinitis Pigmentosa. Identifiers: MedGen C1858677, MONDO:0011415, OMIM 604232.

Submissions (4):

Labcorp Genetics (formerly Invitae), Labcorp
Classification: Pathogenic for Leber congenital amaurosis 3. Last evaluated: 2025-10-09. Review status: criteria provided, single submitter. Criteria: Invitae Variant Classification Sherloc (09022015). Collection method: clinical testing. Allele origin: germline.
Comment: This sequence change creates a premature translational stop signal (p.Ser234*) in the SPATA7 gene. It is expected to result in an absent or disrupted protein product. Loss-of-function variants in SPATA7 are known to be pathogenic (PMID: 19268277, 22334370, 23847139, 26047050, 26261414). This variant is present in population databases (rs567890014, gnomAD 0.003%). This premature translational stop signal has been observed in individual(s) with Leber congenital amaurosis (PMID: 32865313). ClinVar contains an entry for this variant (Variation ID: 801398). For these reasons, this variant has been classified as Pathogenic.

Ophthalmic Genetics Group, Institute of Molecular and Clinical Ophthalmology Basel
Classification: Pathogenic for Leber congenital amaurosis. Last evaluated: 2023-07-24. Review status: criteria provided, single submitter. Criteria: ACMG Guidelines, 2015. Collection method: research. Allele origin: germline. Affected: yes. Observed: 1 variant allele.
Comment: Clinical significance based on ACMG v2.0

This variant was classified as Pathogenic based on ACMG criteria: PVS1, PM2, PP5.

DBGen Ocular Genomics
Classification: Pathogenic for Leber congenital amaurosis 3. Last evaluated: 2021-06-23. Review status: criteria provided, single submitter. Criteria: ACMG Guidelines, 2015. Collection method: clinical testing. Allele origin: germline. Affected: yes. Observed: 1 variant allele.

Mendelics
Classification: Pathogenic. Last evaluated: 2019-05-28. Review status: criteria provided, single submitter. Criteria: Mendelics Assertion Criteria 2017. Collection method: clinical testing. Allele origin: unknown.

Literature cited by the submitters: PubMed 19268277 (cited by Labcorp Genetics (formerly Invitae), Labcorp); PubMed 22334370 (cited by Labcorp Genetics (formerly Invitae), Labcorp); PubMed 23847139 (cited by Labcorp Genetics (formerly Invitae), Labcorp); PubMed 26047050 (cited by Labcorp Genetics (formerly Invitae), Labcorp); PubMed 26261414 (cited by Labcorp Genetics (formerly Invitae), Labcorp); PubMed 32865313 (cited by Labcorp Genetics (formerly Invitae), Labcorp); PubMed 36909829 (cited by Ophthalmic Genetics Group, Institute of Molecular and Clinical Ophthalmology Basel).